The following is an entry in ClinVar:

NM_015937.6(PIGT):c.847G>T (p.Asp283Tyr)

Gene: PIGT (phosphatidylinositol glycan anchor biosynthesis class T; plus strand). Cytogenetic location: 20q13.12.
Variant type: single nucleotide variant.
Coding change: c.847G>T on transcript NM_015937.6 (MANE Select); coding-DNA position 847, G replaced by T.
Protein change: p.Asp283Tyr; replaces aspartic acid 283 with tyrosine.
Molecular consequence: missense variant. On other transcripts: non-coding transcript variant (5).
Genome position (GRCh38, 1-based): chr20:45,420,409, G>T. VCF-style: chr20-45420409-G-T. GRCh37 (hg19) VCF-style: chr20-44049049-G-T.
Other names: c.679G>T, p.Asp227Tyr (NM_001184728.3); c.847G>T, p.Asp283Tyr (NM_001184729.3); c.541G>T, p.Asp181Tyr (NM_001184730.3); short protein forms D181Y, D227Y, D283Y.
Identifiers: ClinVar variation 4811596 (VCV004811596.1).

ClinVar aggregate classification (germline): Uncertain significance (1 of 4 stars; one submission).

Conditions:
Multiple congenital anomalies-hypotonia-seizures syndrome 3 (MCAHS3). Also called: GLYCOSYLPHOSPHATIDYLINOSITOL BIOSYNTHESIS DEFECT 7. Identifiers: Orphanet 369837, MedGen C3809356, MONDO:0014165, OMIM 615398.

gnomAD v4.1: 1 of 1,613,364 alleles (0.000062%); highest among the groups gnomAD compares: African/African-American, 0.0013%; no homozygotes.

Submission:

Labcorp Genetics (formerly Invitae), Labcorp
Classification: Uncertain significance for Multiple congenital anomalies-hypotonia-seizures syndrome 3. Last evaluated: 2025-11-27. Review status: criteria provided, single submitter. Criteria: Invitae Variant Classification Sherloc (09022015). Collection method: clinical testing. Allele origin: germline.
Comment: This sequence change replaces aspartic acid, which is acidic and polar, with tyrosine, which is neutral and polar, at codon 283 of the PIGT protein (p.Asp283Tyr). This variant is present in population databases (rs751236460, gnomAD 0.004%). This variant has not been reported in the literature in individuals affected with PIGT-related conditions. Invitae Evidence Modeling of protein sequence and biophysical properties (such as structural, functional, and spatial information, amino acid conservation, physicochemical variation, residue mobility, and thermodynamic stability) indicates that this missense variant is expected to disrupt PIGT protein function with a positive predictive value of 95%. In summary, the available evidence is currently insufficient to determine the role of this variant in disease. Therefore, it has been classified as a Variant of Uncertain Significance.